The following is an entry in ClinVar:

ClinVar aggregate classification (germline): Likely benign. Review status: criteria provided, multiple submitters, no conflicts (2 of 4 stars). 4 submissions from 4 submitters: Likely benign (3). 1 of the submissions does not count toward it. Last evaluated 2025-11-22.

Conditions:
TRIM32-related disorder. Also called: TRIM32-related condition.
Bardet-Biedl syndrome (BBS). Identifiers: Orphanet 110, MedGen C0752166, MONDO:0015229.

Allele frequency attached by ClinVar (database versions not stated): ExAC 0.00003; gnomAD exomes 0.00004; ESP Exome Variant Server 0.00008; gnomAD 0.00008 and 0.00009; TOPMed 0.00008.
gnomAD v4.1: 29 of 1,613,992 alleles (0.0018%); highest among the groups gnomAD compares: African/African-American, 0.025%; no homozygotes.

Submissions (4):

Labcorp Genetics (formerly Invitae), Labcorp
Classification: Likely benign for Bardet-Biedl syndrome. Last evaluated: 2025-11-22. Review status: criteria provided, single submitter. Criteria: Invitae Variant Classification Sherloc (09022015). Collection method: clinical testing. Allele origin: germline.

Blueprint Genetics
Classification: Likely benign. Last evaluated: 2021-11-30. Review status: criteria provided, single submitter. Criteria: ACMG Guidelines, 2015. Collection method: clinical testing. Allele origin: germline.

GeneDx
Classification: Likely benign. Last evaluated: 2017-02-09. Review status: criteria provided, single submitter. Criteria: GeneDx Variant Classification (06012015). Collection method: clinical testing. Allele origin: germline. Affected: yes.
Comment: This variant is considered likely benign or benign based on one or more of the following criteria: it is a conservative change, it occurs at a poorly conserved position in the protein, it is predicted to be benign by multiple in silico algorithms, and/or has population frequency not consistent with disease.

PreventionGenetics, part of Exact Sciences
Classification: Likely benign for TRIM32-related condition. Last evaluated: 2021-05-03. Review status: no assertion criteria provided. Collection method: clinical testing. Allele origin: germline. Not counted in ClinVar's aggregate classification.
Comment: This variant is classified as likely benign based on ACMG/AMP sequence variant interpretation guidelines (Richards et al. 2015 PMID: 25741868, with internal and published modifications).

NM_012210.4(TRIM32):c.366C>G (p.Pro122=)

Genes: ASTN2 (astrotactin 2; minus strand), TRIM32 (tripartite motif containing 32; plus strand). Cytogenetic location: 9q33.1.
Variant type: single nucleotide variant.
Coding change: c.366C>G on transcript NM_012210.4 (MANE Select); coding-DNA position 366, C replaced by G.
Protein change: p.Pro122=; no amino-acid change (proline 122 retained).
Molecular consequence: synonymous variant. On other transcripts: intron variant (3).
Genome position (GRCh38, 1-based): chr9:116,698,108, C>G. VCF-style: chr9-116698108-C-G. GRCh37 (hg19) VCF-style: chr9-119460387-C-G.
Other names: c.366C>G, p.Pro122= (NM_001099679.2, NM_001379048.1, NM_001379049.1 and 1 more transcripts); c.2653+27663G>C (NM_014010.5); c.2794+27663G>C (NM_001365069.1); c.2806+27663G>C (NM_001365068.1).
Identifiers: ClinVar variation 507205 (VCV000507205.13), dbSNP rs137947083, ClinGen allele CA5210954.